The following is an entry in ClinVar:

NM_000152.5(GAA):c.1748C>T (p.Ser583Phe)

Gene: GAA (alpha glucosidase; plus strand). Cytogenetic location: 17q25.3.
Variant type: single nucleotide variant.
Coding change: c.1748C>T on transcript NM_000152.5 (MANE Select); coding-DNA position 1748, C replaced by T.
Protein change: p.Ser583Phe; replaces serine 583 with phenylalanine.
Molecular consequence: missense variant.
Genome position (GRCh38, 1-based): chr17:80,112,094, C>T. VCF-style: chr17-80112094-C-T. GRCh37 (hg19) VCF-style: chr17-78085893-C-T.
Other names: c.1748C>T, p.Ser583Phe (NM_001079803.3, NM_001079804.3); short protein forms S583F.
Identifiers: ClinVar variation 1331497 (VCV001331497.9), dbSNP rs2143883845, ClinGen allele CA401369174.
Genomic context (GRCh38, chr17:80,112,094, plus strand): 5'-AGTTTCTCTCCACACACTACAACCTGCACAACCTCTACGGCCTGACCGAAGCCATCGCCT[C>T]CCACAGGTGAGGGCCACGTCCCGCCCCACTGGGCTCTGCCCTCACAGCCTGTCCTACAAG-3'
Protein context (NP_000143.2, residues 573-593): NLYGLTEAIA[Ser583Phe]HRALVKARGT

ClinVar aggregate classification (germline): Pathogenic/Likely pathogenic. Review status: criteria provided, multiple submitters, no conflicts (2 of 4 stars). 4 submissions from 4 submitters: Pathogenic (1); Likely pathogenic (3). Last evaluated 2026-07-01.

Conditions:
Glycogen storage disease, type II (IOPD). Also called: CARDIOMEGALIA GLYCOGENICA DIFFUSA; GLYCOGENOSIS, GENERALIZED, CARDIAC FORM; GSD II; POMPE DISEASE, INFANTILE-ONSET; GLYCOGEN STORAGE DISEASE II, INFANTILE-ONSET; ACID ALPHA-GLUCOSIDASE DEFICIENCY, INFANTILE-ONSET. Identifiers: Orphanet 365, MedGen C0017921, MONDO:0009290, OMIM 232300.

Submissions (4):

Genomenon, Inc
Classification: Likely pathogenic for Glycogen storage disease, type II. Last evaluated: 2026-07-01. Review status: criteria provided, single submitter. Criteria: Genomenon Sequence Variant Interpretation Standards - Updated. Collection method: curation. Allele origin: germline. Affected: yes.
Comment: GAA p.Ser583Phe (c.1748C>T) is a missense variant that changes the amino acid at codon 583 from Serine to Phenylalanine. This variant has been observed in at least one proband with a GAA-related disorder (PMID:34852371;21484825). At least one functional study has demonstrated a substantial alteration in protein function relative to the wild-type (PMID:18425781). It is absent or not present at a significant frequency in gnomAD. In silico models predict that this variant is possibly or probably damaging. In conclusion, we classify GAA p.Ser583Phe (c.1748C>T) as a likely pathogenic variant.

Natera, Inc.
Classification: Likely pathogenic for Glycogen storage disease type II. Last evaluated: 2024-04-30. Review status: criteria provided, single submitter. Criteria: Natera Variant Classification Schema (03/2026). Collection method: clinical testing. Allele origin: germline.
Comment: The c.1748C>T variant in GAA is a missense variant predicted to cause substitution of serine to phenylalanine at amino acid 583. This variant is rare in the general population with a frequency below the threshold expected for the associated phenotype(s). This variant has been observed in one or more individuals affected with the associated recessive disease, as either homozygous or compound heterozygous with a second variant (PMID: 21803581, 21484825, 34852371). Functional studies show that this variant may disrupt protein function (PMID: 18425781). Computational prediction algorithms indicate this variant is likely to affect gene or protein function. Given the available evidence, this variant is classified as Likely Pathogenic.

Labcorp Genetics (formerly Invitae), Labcorp
Classification: Pathogenic for Glycogen storage disease, type II. Last evaluated: 2022-10-10. Review status: criteria provided, single submitter. Criteria: Invitae Variant Classification Sherloc (09022015). Collection method: clinical testing. Allele origin: germline.
Comment: Experimental studies have shown that this missense change affects GAA function (PMID: 18425781). For these reasons, this variant has been classified as Pathogenic. Advanced modeling of protein sequence and biophysical properties (such as structural, functional, and spatial information, amino acid conservation, physicochemical variation, residue mobility, and thermodynamic stability) performed at Invitae indicates that this missense variant is expected to disrupt GAA protein function. ClinVar contains an entry for this variant (Variation ID: 1331497). This missense change has been observed in individual(s) with Pompe disease (PMID: 21484825, 31619483). This variant is not present in population databases (gnomAD no frequency). This sequence change replaces serine, which is neutral and polar, with phenylalanine, which is neutral and non-polar, at codon 583 of the GAA protein (p.Ser583Phe).

Women's Health and Genetics/Laboratory Corporation of America, LabCorp
Classification: Likely pathogenic for Glycogen storage disease, type II. Last evaluated: 2021-12-29. Review status: criteria provided, single submitter. Criteria: LabCorp Variant Classification Summary - May 2015. Collection method: clinical testing. Allele origin: germline.
Comment: Variant summary: GAA c.1748C>T (p.Ser583Phe) results in a non-conservative amino acid change in the encoded protein sequence. Five of five in-silico tools predict a damaging effect of the variant on protein function. The variant was absent in 251184 control chromosomes (gnomAD). c.1748C>T has been reported in the literature in at least two individuals affected with Glycogen Storage Disease, Type 2 (Pompe Disease) (Kroos_2008, Bali_2011, Harlaar_2019). These data indicate that the variant may be associated with disease. Publications also reported experimental evidence evaluating an impact on protein function, and demonstrated 0.1-1% activity in fibroblasts derived from a compound heterozygous patient (Bali_2011), in addition the variant protein showed absent activity in an in vitro expression system (Kroos_2008). No clinical diagnostic laboratories have submitted clinical-significance assessments for this variant to ClinVar after 2014. Based on the evidence outlined above, the variant was classified as likely pathogenic.

Literature cited by the submitters: PubMed 34852371 (cited by Genomenon, Inc and Natera, Inc.); PubMed 21484825 (cited by 4 submitters); PubMed 18425781 (cited by 4 submitters); PubMed 21803581 (cited by Natera, Inc.); PubMed 31619483 (cited by Labcorp Genetics (formerly Invitae), Labcorp and Women's Health and Genetics/Laboratory Corporation of America, LabCorp); PubMed 30281819 (cited by Women's Health and Genetics/Laboratory Corporation of America, LabCorp).